The following is an entry in ClinVar:

ClinVar aggregate classification (germline): Likely benign. Review status: criteria provided, multiple submitters, no conflicts (2 of 4 stars). 5 submissions from 5 submitters: Likely benign (5). Last evaluated 2025-11-05.

Conditions:
Left ventricular noncompaction 8 (LVNC8). Identifiers: Orphanet 154, Orphanet 54260, MedGen C3809288, MONDO:0014152, OMIM 615373.

Allele frequency attached by ClinVar (database versions not stated): ESP Exome Variant Server 0.00008; ExAC 0.00013; TOPMed 0.00013; gnomAD 0.00015 and 0.00016; gnomAD exomes 0.00015 and 0.00033.
gnomAD v4.1: 499 of 1,611,396 alleles (0.031%); highest among the groups gnomAD compares: Non-Finnish European, 0.038%; no homozygotes.

Submissions (5):

Labcorp Genetics (formerly Invitae), Labcorp
Classification: Likely benign for Left ventricular noncompaction 8. Last evaluated: 2025-11-05. Review status: criteria provided, single submitter. Criteria: Invitae Variant Classification Sherloc (09022015). Collection method: clinical testing. Allele origin: germline.

ARUP Laboratories, Molecular Genetics and Genomics, ARUP Laboratories
Classification: Likely benign. Last evaluated: 2025-05-09. Review status: criteria provided, single submitter. Criteria: ARUP Molecular Germline Variant Investigation Process 2024. Collection method: clinical testing. Allele origin: germline.

Blueprint Genetics
Classification: Likely benign. Last evaluated: 2024-09-10. Review status: criteria provided, single submitter. Criteria: ACMG Guidelines, 2015. Collection method: clinical testing. Allele origin: germline.

GeneDx
Classification: Likely benign. Last evaluated: 2020-12-30. Review status: criteria provided, single submitter. Criteria: GeneDx Variant Classification Process June 2021. Collection method: clinical testing. Allele origin: germline. Affected: yes.

Laboratory for Molecular Medicine, Mass General Brigham Personalized Medicine
Classification: Likely benign. Last evaluated: 2016-01-22. Review status: criteria provided, single submitter. Criteria: LMM Criteria. Collection method: clinical testing. Allele origin: germline. Observed: 1 variant allele.
Comment: p.Pro526Pro in exon 9 of PRDM16: This variant is not expected to have clinical s ignificance because it does not alter an amino acid residue and is not located w ithin the splice consensus sequence. It has been identified in 16/119136 pan eth nic chromosomes Exome Aggregation Constitution (ExAC .org/; dbSNP rs376747653).

NM_022114.4(PRDM16):c.1578G>A (p.Pro526=)

Gene: PRDM16 (PR/SET domain 16; plus strand). Cytogenetic location: 1p36.32.
Variant type: single nucleotide variant.
Coding change: c.1578G>A on transcript NM_022114.4 (MANE Select); coding-DNA position 1578, G replaced by A.
Protein change: p.Pro526=; no amino-acid change (proline 526 retained).
Molecular consequence: synonymous variant.
Genome position (GRCh38, 1-based): chr1:3,411,775, G>A. VCF-style: chr1-3411775-G-A. GRCh37 (hg19) VCF-style: chr1-3328339-G-A.
Other names: c.1578G>A, p.Pro526= (NM_199454.3).
Identifiers: ClinVar variation 227861 (VCV000227861.19), dbSNP rs376747653, ClinGen allele CA544229.